The following is an entry in ClinVar:

ClinVar aggregate classification (germline): Uncertain significance (1 of 4 stars; one submission).

Conditions:
Dilated cardiomyopathy 1G (CMD1G). Identifiers: Orphanet 154, MedGen C1858763, MONDO:0011400, OMIM 604145.
Autosomal recessive limb-girdle muscular dystrophy type 2J (LGMDR10). Also called: Limb-girdle muscular dystrophy, type 2J; MUSCULAR DYSTROPHY, LIMB-GIRDLE, AUTOSOMAL RECESSIVE 10. Identifiers: Orphanet 140922, MedGen C1837342, MONDO:0012127, OMIM 608807.

Submission:

Labcorp Genetics (formerly Invitae), Labcorp
Classification: Uncertain significance for Dilated cardiomyopathy 1G; Autosomal recessive limb-girdle muscular dystrophy type 2J. Last evaluated: 2022-03-22. Review status: criteria provided, single submitter. Criteria: Invitae Variant Classification Sherloc (09022015). Collection method: clinical testing. Allele origin: germline.
Comment: This variant is located in the M band of TTN (PMID: 25589632). Variants in this region may be relevant for neuromuscular disorders, but have not been definitively shown to cause cardiomyopathy (PMID: 23975875). In summary, the available evidence is currently insufficient to determine the role of this variant in disease. Therefore, it has been classified as a Variant of Uncertain Significance. Experimental studies and prediction algorithms are not available or were not evaluated, and the functional significance of this variant is currently unknown. This sequence change replaces valine, which is neutral and non-polar, with isoleucine, which is neutral and non-polar, at codon 34005 of the TTN protein (p.Val34005Ile). This variant is not present in population databases (gnomAD no frequency). This variant has not been reported in the literature in individuals affected with TTN-related conditions. ClinVar contains an entry for this variant (Variation ID: 1005117).

Literature cited by the submitters: PubMed 25589632; PubMed 23975875.

NM_001267550.2(TTN):c.102013G>A (p.Val34005Ile)

Genes: TTN-AS1 (TTN antisense RNA 1; plus strand), TTN (titin; minus strand). Cytogenetic location: 2q31.2.
Variant type: single nucleotide variant.
Coding change: c.102013G>A on transcript NM_001267550.2 (MANE Select); coding-DNA position 102013, G replaced by A.
Protein change: p.Val34005Ile; replaces valine 34005 with isoleucine.
Molecular consequence: missense variant.
Genome position (GRCh38, 1-based): chr2:178,534,602, C>T on the plus strand (G>A on the coding strand, the complement: TTN is on the minus strand). VCF-style: chr2-178534602-C-T. GRCh37 (hg19) VCF-style: chr2-179399329-C-T.
Other names: c.97090G>A, p.Val32364Ile (NM_001256850.1); c.74818G>A, p.Val24940Ile (NM_003319.4); c.94309G>A, p.Val31437Ile (NM_133378.4); c.75193G>A, p.Val25065Ile (NM_133432.3); c.75394G>A, p.Val25132Ile (NM_133437.4); short protein forms V24940I, V25065I, V25132I, V31437I, V32364I, V34005I.
Identifiers: ClinVar variation 1005117 (VCV001005117.7), dbSNP rs1690621219, ClinGen allele CA349418564.